The following is an entry in ClinVar:

NM_004369.4(COL6A3):c.1230C>A (p.Asp410Glu)

Gene: COL6A3 (collagen type VI alpha 3 chain; minus strand). Cytogenetic location: 2q37.3.
Variant type: single nucleotide variant.
Coding change: c.1230C>A on transcript NM_004369.4 (MANE Select); coding-DNA position 1230, C replaced by A.
Protein change: p.Asp410Glu; replaces aspartic acid 410 with glutamic acid.
Molecular consequence: missense variant. On other transcripts: intron variant (2).
Genome position (GRCh38, 1-based): chr2:237,387,664, G>T on the plus strand (C>A on the coding strand, the complement: COL6A3 is on the minus strand). VCF-style: chr2-237387664-G-T. GRCh37 (hg19) VCF-style: chr2-238296307-G-T.
Other names: c.612C>A, p.Asp204Glu (NM_057165.5, NM_057167.4); c.92-6165C>A (NM_057166.5, NM_057164.5); short protein forms D410E, D204E.
Identifiers: ClinVar variation 2136000 (VCV002136000.1), dbSNP rs1220673216, ClinGen allele CA351220990.

ClinVar aggregate classification (germline): Uncertain significance (1 of 4 stars; one submission).

gnomAD v4.1: 3 of 1,613,752 alleles (0.00019%); highest among the groups gnomAD compares: Non-Finnish European, 0.00025%; no homozygotes.

Submission:

GeneDx
Classification: Uncertain significance. Last evaluated: 2022-07-22. Review status: criteria provided, single submitter. Criteria: GeneDx Variant Classification Process June 2021. Collection method: clinical testing. Allele origin: germline. Affected: yes.
Comment: Not observed at significant frequency in large population cohorts (gnomAD); In silico analysis supports that this missense variant does not alter protein structure/function; Has not been previously published as pathogenic or benign to our knowledge